The following is an entry in ClinVar:

ClinVar aggregate classification (germline): Conflicting classifications of pathogenicity. Review status: criteria provided, conflicting classifications (1 of 4 stars). 9 submissions from 9 submitters: Uncertain significance (2); Benign (2); Likely benign (4). 1 of the submissions does not count toward it. Last evaluated 2026-03-10.

Conditions:
TSC2-related disorder. Also called: TSC2-Related Disorders; TSC2-related condition.
Hereditary cancer-predisposing syndrome. Also called: Hereditary Cancer Syndrome; Neoplastic Syndromes, Hereditary; Hereditary neoplastic syndrome; Tumor predisposition. Identifiers: Orphanet 140162, MedGen C0027672, MeSH D009386, MONDO:0015356.
Tuberous sclerosis syndrome (TSC). Also called: Tuberous Sclerosis Complex; Tuberous sclerosis. Identifiers: Orphanet 805, MedGen C0041341, MONDO:0001734.
Tuberous sclerosis 2 (TSC2). Identifiers: Orphanet 805, MedGen C1860707, MONDO:0013199, OMIM 613254.

Allele frequency attached by ClinVar (database versions not stated): ExAC 0.00001; gnomAD 0.00001; gnomAD exomes 0.00001 and 0.00003; TOPMed 0.00002; ESP Exome Variant Server 0.00008.
gnomAD v4.1: 48 of 1,612,412 alleles (0.003%); highest among the groups gnomAD compares: Non-Finnish European, 0.0039%; no homozygotes.

Submissions (9):

PreventionGenetics, part of Exact Sciences
Classification: Likely benign for TSC2-related condition. Last evaluated: 2026-03-10. Review status: criteria provided, single submitter. Criteria: ACMG Guidelines, 2015. Collection method: clinical testing. Allele origin: germline.
Comment: This variant is classified as likely benign based on ACMG/AMP sequence variant interpretation guidelines (Richards et al. 2015 PMID: 25741868, with internal and published modifications).

Labcorp Genetics (formerly Invitae), Labcorp
Classification: Benign for Tuberous sclerosis 2. Last evaluated: 2026-01-18. Review status: criteria provided, single submitter. Criteria: Invitae Variant Classification Sherloc (09022015). Collection method: clinical testing. Allele origin: germline.

Myriad Genetics, Inc.
Classification: Benign for Tuberous sclerosis 2. Last evaluated: 2025-05-30. Review status: criteria provided, single submitter. Criteria: Myriad Autosomal Dominant, Autosomal Recessive and X-Linked Classification Criteria (2023). Collection method: clinical testing. Allele origin: unknown.
Comment: This variant is considered benign. This variant is a silent/synonymous amino acid change and it is not expected to impact splicing.

GeneDx
Classification: Uncertain significance. Last evaluated: 2023-12-10. Review status: criteria provided, single submitter. Criteria: GeneDx Variant Classification Process June 2021. Collection method: clinical testing. Allele origin: germline. Affected: yes.
Comment: In silico analysis is inconclusive as to whether the variant alters gene splicing. In the absence of RNA/functional studies, the actual effect of this sequence change is unknown; Observed in an individual with atypical polycystic kidney disease (PMID: 33437033); This variant is associated with the following publications: (PMID: 33437033)

Color Diagnostics, LLC DBA Color Health
Classification: Likely benign for Tuberous sclerosis syndrome. Last evaluated: 2022-01-26. Review status: criteria provided, single submitter. Criteria: ACMG Guidelines, 2015. Collection method: clinical testing. Allele origin: germline.

Genome-Nilou Lab
Classification: Likely benign for Tuberous sclerosis 2. Last evaluated: 2021-11-07. Review status: criteria provided, single submitter. Criteria: ACMG Guidelines, 2015. Collection method: clinical testing. Allele origin: germline. Affected: no.

Ambry Genetics
Classification: Likely benign for Hereditary cancer-predisposing syndrome. Last evaluated: 2019-05-22. Review status: criteria provided, single submitter. Criteria: Ambry Variant Classification Scheme 2023. Collection method: clinical testing. Allele origin: germline.

Molecular Genetics of Inherited Kidney Disorders Laboratory, Garvan Institute of Medical Research
Classification: Uncertain significance. Last evaluated: 2019-01-01. Review status: criteria provided, single submitter. Criteria: ACMG Guidelines, 2015. Collection method: clinical testing. Allele origin: germline. Affected: yes.

Tuberous sclerosis database (TSC2)
No classification provided. Condition: TSC. Review status: no classification provided. Criteria: Tuberous Sclerosis Database Assertion Criteria 2015. Collection method: curation. Allele origin: germline. Affected: yes. Not counted in ClinVar's aggregate classification.

NM_000548.5(TSC2):c.3816G>A (p.Val1272=)

Gene: TSC2 (TSC complex subunit 2; plus strand). Cytogenetic location: 16p13.3.
Variant type: single nucleotide variant.
Coding change: c.3816G>A on transcript NM_000548.5 (MANE Select); coding-DNA position 3816, G replaced by A.
Protein change: p.Val1272=; no amino-acid change (valine 1272 retained).
Molecular consequence: synonymous variant. On other transcripts: intron variant (6).
Genome position (GRCh38, 1-based): chr16:2,082,437, G>A. VCF-style: chr16-2082437-G-A. GRCh37 (hg19) VCF-style: chr16-2132438-G-A.
Other names: c.3084G>A, p.Val1028= (NM_001318831.2); c.3684G>A, p.Val1228= (NM_001370404.1); c.3687G>A, p.Val1229= (NM_001370405.1, NM_021055.3); c.3814+639G>A (NM_001114382.3); c.3685+639G>A (NM_001363528.2); c.3682+639G>A (NM_001077183.3); c.3574+639G>A (NM_001318827.2); c.3538+639G>A (NM_001318829.2); and 2 more.
Identifiers: ClinVar variation 49835 (VCV000049835.22), dbSNP rs45517314, ClinGen allele CA019584.